The following is an entry in ClinVar:

NM_014423.4(AFF4):c.3010C>T (p.Arg1004Ter)

Gene: AFF4 (ALF transcription elongation factor 4; minus strand). Cytogenetic location: 5q31.1.
Variant type: single nucleotide variant.
Coding change: c.3010C>T on transcript NM_014423.4 (MANE Select); coding-DNA position 3010, C replaced by T.
Protein change: p.Arg1004Ter; replaces arginine 1004 with a stop codon.
Molecular consequence: nonsense.
Genome position (GRCh38, 1-based): chr5:132,886,399, G>A on the plus strand (C>T on the coding strand, the complement: AFF4 is on the minus strand). VCF-style: chr5-132886399-G-A. GRCh37 (hg19) VCF-style: chr5-132222091-G-A.
Other names: short protein forms R1004*.
Identifiers: ClinVar variation 3765825 (VCV003765825.1).

ClinVar aggregate classification (germline): Uncertain significance (1 of 4 stars; one submission).

Submission:

Greenwood Genetic Center Diagnostic Laboratories, Greenwood Genetic Center
Classification: Uncertain significance. Last evaluated: 2024-12-16. Review status: criteria provided, single submitter. Criteria: ACMG Guidelines, 2015. Collection method: clinical testing. Allele origin: germline. Affected: yes.
Comment: Gene of Uncertain Significance